The following is an entry in ClinVar:

ClinVar aggregate classification (germline): Pathogenic (1 of 4 stars; one submission).

Conditions:
RYR1-related disorder. Also called: RYR1-related condition; RYR1-related disorders. Identifiers: MedGen CN239331.

Submission:

Labcorp Genetics (formerly Invitae), Labcorp
Classification: Pathogenic for RYR1-related disorder. Last evaluated: 2023-10-17. Review status: criteria provided, single submitter. Criteria: Invitae Variant Classification Sherloc (09022015). Collection method: clinical testing. Allele origin: germline.
Comment: This sequence change creates a premature translational stop signal (p.Asp1477Glyfs*10) in the RYR1 gene. It is expected to result in an absent or disrupted protein product. Loss-of-function variants in RYR1 are known to be pathogenic (PMID: 23919265, 25960145, 28818389, 30611313). This variant is not present in population databases (gnomAD no frequency). This variant has not been reported in the literature in individuals affected with RYR1-related conditions. Algorithms developed to predict the effect of sequence changes on RNA splicing suggest that this variant may disrupt the consensus splice site. For these reasons, this variant has been classified as Pathogenic.

Literature cited by the submitters: PubMed 23919265; PubMed 25960145; PubMed 28818389; PubMed 30611313.

NM_000540.3(RYR1):c.4430_4437del (p.Asp1477fs)

Gene: RYR1 (ryanodine receptor 1; plus strand). Cytogenetic location: 19q13.2.
Variant type: Deletion.
Coding change: c.4430_4437del on transcript NM_000540.3 (MANE Select); coding-DNA positions 4430 to 4437, 8 bases deleted (ATGAACAA; older notation c.4430_4437delATGAACAA).
Protein change: p.Asp1477fs; shifts the reading frame from aspartic acid 1477.
Molecular consequence: frameshift variant.
Genome position (GRCh38, 1-based): chr19:38,477,846-38,477,853, ATGAACAA deleted. VCF-style (leftmost placement, unchanged base first): chr19-38477845-GATGAACAA-G. GRCh37 (hg19) VCF-style: chr19-38968485-GATGAACAA-G.
Other names: c.4430_4437del, p.Asp1477fs (NM_001042723.2); short protein forms D1477fs.
Identifiers: ClinVar variation 2769406 (VCV002769406.3), dbSNP rs2514178269, ClinGen allele CA2697556495.